The following is an entry in ClinVar:

NM_001165963.4(SCN1A):c.2589+3A>T

Gene: SCN1A (sodium voltage-gated channel alpha subunit 1; minus strand). Cytogenetic location: 2q24.3.
Variant type: single nucleotide variant.
Coding change: c.2589+3A>T on transcript NM_001165963.4 (MANE Select); 3 bases into the intron after coding-DNA position 2589, A replaced by T.
Molecular consequence: intron variant.
Genome position (GRCh38, 1-based): chr2:166,039,420, T>A on the plus strand (A>T on the coding strand, the complement: SCN1A is on the minus strand). VCF-style: chr2-166039420-T-A. GRCh37 (hg19) VCF-style: chr2-166895930-T-A.
Other names: p.?; c.2589+3A>T (AB093548.1, NM_001202435.3, NM_001353948.2); c.2556+3A>T (NM_001353949.2, NM_001353950.2, NM_001353951.2 and 2 more transcripts); c.2505+3A>T (NM_001353958.2, NM_001353957.2, NM_001165964.3); c.2553+3A>T (NM_001353955.2, NM_001353954.2); c.2502+3A>T (NM_001353960.2); c.147+3A>T (NM_001353961.2).
Identifiers: ClinVar variation 189938 (VCV000189938.66), dbSNP rs794726775, ClinGen allele CA303357.

ClinVar aggregate classification (germline): Pathogenic. Review status: criteria provided, multiple submitters, no conflicts (2 of 4 stars). 17 submissions from 17 submitters: Pathogenic (14). 3 of the submissions do not count toward it. Last evaluated 2025-12-18.

Conditions:
Migraine, familial hemiplegic, 3. Identifiers: Orphanet 569, MedGen C1864987, MONDO:0012320, OMIM 609634.
Generalized epilepsy with febrile seizures plus, type 2 (GEFSP2). Also called: GEFS+, TYPE 2. Identifiers: Orphanet 36387, MedGen C1858673, MONDO:0011461, OMIM 604403.
Severe myoclonic epilepsy in infancy (DRVT). Also called: SEVERE MYOCLONIC EPILEPSY OF INFANCY; DEVELOPMENTAL AND EPILEPTIC ENCEPHALOPATHY 6A; Severe Myoclonic Epilepsy in Infancy (SMEI); Dravet syndrome; Epileptic encephalopathy, early infantile, 6 (Dravet syndrome). Identifiers: Orphanet 33069, MedGen C0751122, MONDO:0100135, OMIM 607208.
Developmental and epileptic encephalopathy 6B. Also called: Developmental and epileptic encephalopathy 6B, non-Dravet. Identifiers: MedGen C5543353, MONDO:0030268, OMIM 619317.
SCN1A-related disorder. Also called: SCN1A-related disorders; SCN1A-related conditions; SCN1A-related condition.
Autosomal dominant SCN1A-related disorders.
Early-infantile DEE. Also called: Ohtahara syndrome; Early infantile epileptic encephalopathy with suppression bursts; Early infantile epileptic encephalopathy. Identifiers: Orphanet 1934, MedGen C0393706, MONDO:0800491.
Seizure. Also called: Seizures. Identifiers: MedGen C0036572, HP:0001250.

Submissions (17):

Variantyx, Inc.
Classification: Pathogenic for Autosomal dominant SCN1A-related disorders. Last evaluated: 2025-12-18. Review status: criteria provided, single submitter. Criteria: Variantyx Assertion Criteria 2022. Collection method: clinical testing. Allele origin: germline. Inheritance: Autosomal dominant inheritance. Affected: yes.
Comment: This is an intronic variant in the SCN1A gene (OMIM: 182389). Pathogenic variants in this gene have been associated with autosomal dominant SCN1A-related disorders. This variant has been reported in several unrelated affected individuals (PMID: 26501104, 38250573, 23195492, 23821540) (PS4). Algorithms that predict the potential impact of sequence variants on RNA splicing suggest that this variant may disrupt normal splicing (PP3). This variant is absent from control populations (PM2). Based on the current evidence, this variant is classified as pathogenic for autosomal dominant SCN1A-related disorders.

Cytogénomique, Hospices Civils de Lyon
Classification: Pathogenic for Seizure. Last evaluated: 2025-01-03. Review status: criteria provided, single submitter. Criteria: ACMG Guidelines, 2015. Collection method: clinical testing. Allele origin: de novo. Affected: yes.

Labcorp Genetics (formerly Invitae), Labcorp
Classification: Pathogenic for Early-infantile DEE. Last evaluated: 2024-12-03. Review status: criteria provided, single submitter. Criteria: Invitae Variant Classification Sherloc (09022015). Collection method: clinical testing. Allele origin: germline.
Comment: This sequence change falls in intron 14 of the SCN1A gene. It does not directly change the encoded amino acid sequence of the SCN1A protein. It affects a nucleotide within the consensus splice site. This variant is not present in population databases (gnomAD no frequency). This variant has been observed in individual(s) with severe myoclonic epilepsy of infancy (SMEI) or intractable seizures (PMID: 17347258, 23195492, 23821540). In at least one individual the variant was observed to be de novo. ClinVar contains an entry for this variant (Variation ID: 189938). Algorithms developed to predict the effect of variants on gene product structure and function are not available or were not evaluated for this variant. Experimental studies have shown that this variant affects SCN1A function (PMID: 23821540). Variants that disrupt the consensus splice site are a relatively common cause of aberrant splicing (PMID: 17576681, 9536098). Algorithms developed to predict the effect of sequence changes on RNA splicing suggest that this variant may disrupt the consensus splice site. For these reasons, this variant has been classified as Pathogenic.

CeGaT Center for Human Genetics Tuebingen
Classification: Pathogenic. Last evaluated: 2024-03-01. Review status: criteria provided, single submitter. Criteria: CeGaT Center For Human Genetics Tuebingen Variant Classification Criteria Version 2. Collection method: clinical testing. Allele origin: germline. Affected: yes. Observed: 3 variant alleles.
Comment: SCN1A: PS2:Very Strong, PM2, PS4:Moderate, PS3:Supporting

Mayo Clinic Laboratories, Mayo Clinic
Classification: Pathogenic. Last evaluated: 2024-02-01. Review status: criteria provided, single submitter. Criteria: ACMG Guidelines, 2015. Collection method: clinical testing. Allele origin: germline. Observed: 1 variant allele.
Comment: PP3, PM2, PM5, PM6, PS3, PS4

GeneDx
Classification: Pathogenic. Last evaluated: 2023-03-10. Review status: criteria provided, single submitter. Criteria: GeneDx Variant Classification Process June 2021. Collection method: clinical testing. Allele origin: germline. Affected: yes.
Comment: Published RNA and protein studies have shown that this variant leads to the skipping of exon 14, and results in greatly reduced protein levels in heterologous expression systems. In addition, functional studies using induced neurons derived from patient cells, indicated that this variant caused hyperexcitability, a result consistent with an in vitro epileptic-like phenotype (Liu et al., 2013); In silico analysis supports a deleterious effect on splicing; Not observed at significant frequency in large population cohorts (gnomAD); This variant is associated with the following publications: (PMID: 27465585, 27790834, 33067208, 32090326, 17347258, 26373465, 29408779, 30619928, 31864146, 31139143, 23821540, 32613771, 35072530, 31440721, 31069529, 33278787)

MGZ Medical Genetics Center
Classification: Pathogenic for Severe myoclonic epilepsy in infancy. Last evaluated: 2022-01-31. Review status: criteria provided, single submitter. Criteria: ACMG Guidelines, 2015. Collection method: clinical testing. Allele origin: germline. Affected: yes. Observed: 1 variant allele.
Comment: ACMG criteria applied: PS2, PS3, PM2_SUP, PP3

Institute of Human Genetics, University of Leipzig Medical Center
Classification: Pathogenic for Severe myoclonic epilepsy in infancy. Last evaluated: 2021-03-22. Review status: criteria provided, single submitter. Criteria: ACMG Guidelines, 2015. Collection method: clinical testing. Allele origin: de novo. Affected: yes.
Comment: This variant was identified as de novo (maternity and paternity confirmed).

Blueprint Genetics
Classification: Pathogenic for SCN1A-related disorders. Last evaluated: 2020-12-30. Review status: criteria provided, single submitter. Criteria: ACMG Guidelines, 2015. Collection method: clinical testing. Allele origin: germline. Affected: yes. Observed: 3 variant alleles.

HudsonAlpha Institute for Biotechnology
Classification: Pathogenic for Severe myoclonic epilepsy in infancy. Last evaluated: 2017-11-09. Review status: criteria provided, single submitter. Criteria: HA_assertions_20161101. Collection method: research. Allele origin: de novo. Affected: yes. Observed: 1 variant allele. Study: CSER-HudsonAlpha.

Athena Diagnostics
Classification: Pathogenic for Severe myoclonic epilepsy in infancy. Last evaluated: 2014-12-26. Review status: criteria provided, single submitter. Criteria: Athena Diagnostics Criteria. Collection method: clinical testing. Allele origin: germline. Inheritance: Autosomal dominant inheritance.

Center for Bioinformatics, Peking University
Classification: Pathogenic for Dravet syndrome. Last evaluated: 2014-12-20. Review status: criteria provided, single submitter. Criteria: Xu et al. (Hum Mutat. 2015). Collection method: research. Allele origin: maternal. Affected: yes. Observed: 2 variant alleles. Study: University Clinical Cooperation “985 Project” PKU-2014-1-1.
Comment: Dravet syndrome (DS) probands were recruited from the outpatient and inpatient child neurology units of Peking University First Hospital from 2005 till present. The study was approved by the Ethics Committee of Peking University First Hospital and the Institutional Review Board at Peking University. Participants or their parents provided written informed consent before enrollment. We collected a total of 267 mutations from 255 families with probands diagnosed with DS in China. All probands fulfilled the clinical diagnostic criteria.

Center for Genomics, Ann and Robert H. Lurie Children's Hospital of Chicago
Classification: Pathogenic for Developmental and epileptic encephalopathy 6B; Migraine, familial hemiplegic, 3; Severe myoclonic epilepsy in infancy; Generalized epilepsy with febrile seizures plus, type 2. Review status: criteria provided, single submitter. Criteria: ACMG Guidelines, 2015. Collection method: clinical testing. Allele origin: germline.
Comment: This variant has been reported in the literature in several individuals with epileptic encephalopathy/Dravet syndrome including numerous de novo incidences (Harkin 2007 PMID:17347258, Liu 2013 PMID:23821540, Mahdieh 2018 PMID:29408779, Kong 2019 PMID:30619928, Long 2019 PMID:31139143, Brunklaus 2020 PMID:3209326, Gertler 2020 PMID:31864146, Lee 2020 32613771, Wang 2021 PMID:33278787). This variant is not present in large control databases. Evolutionary conservation and computational predictive tools for this variant are limited or unavailable. This variant is present in ClinVar, with several labs classifying this variant as pathogenic (Variation ID:189938).In vitro functional studies predict that this variant will impact the protein (Liu 2013 PMID:23821540). Of note, although this variant occurs in the splice region, computational prediction tools do not suggest that it alters splicing. In summary, this variant is classified as pathogenic.

Lifecell International Pvt. Ltd
Classification: Pathogenic for Severe myoclonic epilepsy in infancy. Review status: criteria provided, single submitter. Criteria: ACMG Guidelines, 2015. Collection method: clinical testing. Allele origin: germline. Inheritance: Autosomal dominant inheritance. Affected: yes. Observed: 1 variant allele, 1 heterozygote.
Comment: A heterozygous 5â€™ splice site variation in intron 17 of the SCN1A gene (c.2589+3A>T) that affects the position 3 bases downstream of exon 17 was detected. The observed variant is not present in both the 1000 Genomes and gnomAD databases. The reference base is conserved across the species and in-silico predictions by Mutation taster, NNSplice and PWM are damaging. This variant (also known as IVS14+3A>T) has previously been reported for Dravet syndrome by Xu X. et al., 2015. This variant has been shown to result in skipping of exon 17 during splicing of the SCN1A gene, which correlates with a little to no SCN1A protein expression and no sodium current in a heterologous system by Liu Y. et al., 2013. The variant c.2589+3A>T has been previously classified as Pathogenic in ClinVar (Variation ID 189938 as of 2020-09-03) with respect to Severe myoclonic epilepsy in infancy and 2 other conditions with a status of (2 stars) criteria provided, multiple submitters, no conflicts. Based on the above evidence this variant has been classified as Pathogenic according to the ACMG guidelines.

Diagnostic Laboratory, Department of Genetics, University Medical Center Groningen
Classification: Pathogenic. Review status: no assertion criteria provided. Collection method: clinical testing. Allele origin: germline. Affected: yes. Study: VKGL Data-share Consensus. Not counted in ClinVar's aggregate classification.

Genome Diagnostics Laboratory, University Medical Center Utrecht
Classification: Pathogenic. Review status: no assertion criteria provided. Collection method: clinical testing. Allele origin: germline. Affected: yes. Study: VKGL Data-share Consensus. Not counted in ClinVar's aggregate classification.

Joint Genome Diagnostic Labs from Nijmegen and Maastricht, Radboudumc and MUMC+
Classification: Likely pathogenic. Review status: no assertion criteria provided. Collection method: clinical testing. Allele origin: germline. Affected: yes. Study: VKGL Data-share Consensus. Not counted in ClinVar's aggregate classification.

Literature cited by the submitters: PubMed 23821540 (cited by 3 submitters); PubMed 26501104 (cited by Variantyx, Inc.); PubMed 38250573 (cited by Variantyx, Inc.); PubMed 23195492 (cited by Variantyx, Inc. and Labcorp Genetics (formerly Invitae), Labcorp); PubMed 17347258 (cited by Labcorp Genetics (formerly Invitae), Labcorp and Athena Diagnostics); PubMed 17576681 (cited by Labcorp Genetics (formerly Invitae), Labcorp); PubMed 9536098 (cited by Labcorp Genetics (formerly Invitae), Labcorp); PubMed 31864146 (cited by Mayo Clinic Laboratories, Mayo Clinic); PubMed 33067208 (cited by Mayo Clinic Laboratories, Mayo Clinic); PubMed 33278787 (cited by Mayo Clinic Laboratories, Mayo Clinic); PubMed 20431604 (cited by Athena Diagnostics).